The following is an entry in ClinVar:

NM_032737.4(LMNB2):c.1370G>A (p.Gly457Asp)

Gene: LMNB2 (lamin B2; minus strand). Cytogenetic location: 19p13.3.
Variant type: single nucleotide variant.
Coding change: c.1370G>A on transcript NM_032737.4 (MANE Select); coding-DNA position 1370, G replaced by A.
Protein change: p.Gly457Asp; replaces glycine 457 with aspartic acid.
Molecular consequence: missense variant.
Genome position (GRCh38, 1-based): chr19:2,433,938, C>T on the plus strand (G>A on the coding strand, the complement: LMNB2 is on the minus strand). VCF-style: chr19-2433938-C-T. GRCh37 (hg19) VCF-style: chr19-2433936-C-T.
Other names: short protein forms G457D.
Identifiers: ClinVar variation 3751466 (VCV003751466.2).

ClinVar aggregate classification (germline): Uncertain significance (1 of 4 stars; one submission).

Conditions:
Progressive myoclonic epilepsy type 9. Identifiers: Orphanet 457265, MedGen C4225289, MONDO:0014685, OMIM 616540.
Lipodystrophy, partial, acquired, susceptibility to (APLD). Also called: APLD, SUSCEPTIBILITY TO. Identifiers: MedGen C3887501, MONDO:0100476, OMIM 608709.

Submission:

Labcorp Genetics (formerly Invitae), Labcorp
Classification: Uncertain significance for Progressive myoclonic epilepsy type 9; Lipodystrophy, partial, acquired, susceptibility to. Last evaluated: 2024-11-26. Review status: criteria provided, single submitter. Criteria: Invitae Variant Classification Sherloc (09022015). Collection method: clinical testing. Allele origin: germline.
Comment: This sequence change replaces glycine, which is neutral and non-polar, with aspartic acid, which is acidic and polar, at codon 457 of the LMNB2 protein (p.Gly457Asp). This variant is not present in population databases (gnomAD no frequency). This variant has not been reported in the literature in individuals affected with LMNB2-related conditions. An algorithm developed to predict the effect of missense changes on protein structure and function (PolyPhen-2) suggests that this variant is likely to be tolerated. In summary, the available evidence is currently insufficient to determine the role of this variant in disease. Therefore, it has been classified as a Variant of Uncertain Significance.